The following is an entry in ClinVar:

ClinVar aggregate classification (germline): Conflicting classifications of pathogenicity. Review status: criteria provided, conflicting classifications (1 of 4 stars). 2 submissions from 2 submitters: Uncertain significance (1); Likely benign (1). Last evaluated 2025-09-16.

Conditions:
DLL1-related disorder. Also called: DLL1-related condition.

Allele frequency attached by ClinVar (database versions not stated): ExAC 0.00001; gnomAD 0.00001; TOPMed 0.00001.
gnomAD v4.1: 11 of 1,613,996 alleles (0.00068%); highest among the groups gnomAD compares: Admixed American, 0.0033%; no homozygotes.

Submissions (2):

PreventionGenetics, part of Exact Sciences
Classification: Uncertain significance for DLL1-related condition. Last evaluated: 2025-09-16. Review status: criteria provided, single submitter. Criteria: ACMG Guidelines, 2015. Collection method: clinical testing. Allele origin: germline.
Comment: The DLL1 c.1139G>A variant is predicted to result in the amino acid substitution p.Arg380Gln. To our knowledge, this variant has not been reported in the literature. This variant is reported in 0.0058% of alleles in individuals of Latino descent in gnomAD. At this time, the clinical significance of this variant is uncertain due to the absence of conclusive functional and genetic evidence.

CeGaT Center for Human Genetics Tuebingen
Classification: Likely benign. Last evaluated: 2023-02-01. Review status: criteria provided, single submitter. Criteria: CeGaT Center For Human Genetics Tuebingen Variant Classification Criteria Version 2. Collection method: clinical testing. Allele origin: germline. Affected: yes. Observed: 1 variant allele.
Comment: DLL1: BP4

NM_005618.4(DLL1):c.1139G>A (p.Arg380Gln)

Gene: DLL1 (delta like canonical Notch ligand 1; minus strand). Cytogenetic location: 6q27.
Variant type: single nucleotide variant.
Coding change: c.1139G>A on transcript NM_005618.4 (MANE Select); coding-DNA position 1139, G replaced by A.
Protein change: p.Arg380Gln; replaces arginine 380 with glutamine.
Molecular consequence: missense variant.
Genome position (GRCh38, 1-based): chr6:170,285,029, C>T on the plus strand (G>A on the coding strand, the complement: DLL1 is on the minus strand). VCF-style: chr6-170285029-C-T. GRCh37 (hg19) VCF-style: chr6-170594117-C-T.
Other names: c.1139G>A (NM_005618.3); short protein forms R380Q.
Identifiers: ClinVar variation 2499030 (VCV002499030.29), dbSNP rs753077409, ClinGen allele CA4106917.